The following is an entry in ClinVar:

NM_014363.6(SACS):c.2590dup (p.Ile864fs)

Gene: SACS (sacsin molecular chaperone; minus strand). Cytogenetic location: 13q12.12.
Variant type: Duplication.
Coding change: c.2590dup on transcript NM_014363.6 (MANE Select); coding-DNA position 2590, one base duplicated (A; older notation c.2590dupA).
Protein change: p.Ile864fs; shifts the reading frame from isoleucine 864.
Molecular consequence: frameshift variant.
Genome position (GRCh38, 1-based): chr13:23,341,286, T duplicated on the plus strand (A on the coding strand, the reverse complement: SACS is on the minus strand). VCF-style (leftmost placement, unchanged base first): chr13-23341285-A-AT. GRCh37 (hg19) VCF-style: chr13-23915424-A-AT.
Other names: c.2149dup, p.Ile717fs (NM_001278055.2); c.2617dup, p.Ile873fs (NM_001437336.1); short protein forms I717fs, I864fs, I873fs.
Identifiers: ClinVar variation 4815692 (VCV004815692.1).

ClinVar aggregate classification (germline): Likely pathogenic (1 of 4 stars; one submission).

Conditions:
Charlevoix-Saguenay spastic ataxia (SACS). Also called: AUTOSOMAL RECESSIVE SPASTIC ATAXIA OF CHARLEVOIX-SAGUENAY; Spastic ataxia of Charlevoix-Saguenay; SPASTIC ATAXIA 6, AUTOSOMAL RECESSIVE. Identifiers: Orphanet 98, MedGen C1849140, MONDO:0010041, OMIM 270550.

Submission:

Natera, Inc.
Classification: Likely pathogenic for Charlevoix-Saguenay type spastic ataxia. Last evaluated: 2025-09-19. Review status: criteria provided, single submitter. Criteria: Natera Variant Classification Schema (03/2026). Collection method: clinical testing. Allele origin: germline.
Comment: The c.2590dup variant in SACS is a frameshift variant predicted to shift the reading frame beginning at codon 864 and leads to a stop codon 2 codons downstream. This variant is expected to result in nonsense mediated decay, truncation, or a dysfunctional protein product. This variant is rare in the general population with a frequency below the threshold expected for the associated phenotype(s). Given the available evidence, this variant is classified as Likely Pathogenic.